The following is an entry in ClinVar:

ClinVar aggregate classification (germline): Pathogenic/Likely pathogenic. Review status: criteria provided, multiple submitters, no conflicts (2 of 4 stars). 3 submissions from 3 submitters: Pathogenic (1); Likely pathogenic (2). Last evaluated 2026-06-09.

Conditions:
Bruck syndrome 1 (BRKS1). Also called: ARTHROGRYPOSIS-LIKE DISORDER. Identifiers: Orphanet 1149, Orphanet 2771, MedGen C1850168, MONDO:0009806, OMIM 259450.
Osteogenesis imperfecta type 11. Also called: OI, TYPE XI; Osteogenesis imperfecta, type XI. Identifiers: Orphanet 666, MedGen C3151218, MONDO:0012592, OMIM 610968.

Allele frequency attached by ClinVar (database versions not stated): gnomAD exomes 0.00001; TOPMed below 0.00001.

Submissions (3):

GeneDx
Classification: Likely pathogenic. Last evaluated: 2026-06-09. Review status: criteria provided, single submitter. Criteria: GeneDx Variant Classification Process June 2021. Collection method: clinical testing. Allele origin: germline.
Comment: Nonsense variant predicted to result in protein truncation, as the last 42 amino acid(s) are lost, and other loss-of-function variants have been reported downstream in HGMD; Not observed at significant frequency in large population cohorts (gnomAD); This variant is associated with the following publications: (PMID: 28492130)

Labcorp Genetics (formerly Invitae), Labcorp
Classification: Pathogenic. Last evaluated: 2024-11-11. Review status: criteria provided, single submitter. Criteria: Invitae Variant Classification Sherloc (09022015). Collection method: clinical testing. Allele origin: germline.
Comment: This sequence change creates a premature translational stop signal (p.Gln541*) in the FKBP10 gene. While this is not anticipated to result in nonsense mediated decay, it is expected to disrupt the last 42 amino acid(s) of the FKBP10 protein. The frequency data for this variant in the population databases is considered unreliable, as metrics indicate poor data quality at this position in the gnomAD database. This premature translational stop signal has been observed in individual(s) with Bruck syndrome and/or osteogenesis imperfecta type 3 (PMID: 28492130; internal data). ClinVar contains an entry for this variant (Variation ID: 1490007). This variant disrupts a region of the FKBP10 protein in which other variant(s) (p.Pro543Leufs*5) have been determined to be pathogenic (PMID: 29499418). This suggests that this is a clinically significant region of the protein, and that variants that disrupt it are likely to be disease-causing. For these reasons, this variant has been classified as Pathogenic.

Fulgent Genetics
Classification: Likely pathogenic for Bruck syndrome 1; Osteogenesis imperfecta type 11. Last evaluated: 2024-06-21. Review status: criteria provided, single submitter. Criteria: ACMG Guidelines, 2015. Collection method: clinical testing. Allele origin: germline.

Literature cited by the submitters: PubMed 28492130 (cited by Labcorp Genetics (formerly Invitae), Labcorp); PubMed 29499418 (cited by Labcorp Genetics (formerly Invitae), Labcorp).

NM_021939.4(FKBP10):c.1621C>T (p.Gln541Ter)

Gene: FKBP10 (FKBP prolyl isomerase 10; plus strand). Cytogenetic location: 17q21.2.
Variant type: single nucleotide variant.
Coding change: c.1621C>T on transcript NM_021939.4 (MANE Select); coding-DNA position 1621, C replaced by T.
Protein change: p.Gln541Ter; replaces glutamine 541 with a stop codon.
Molecular consequence: nonsense.
Genome position (GRCh38, 1-based): chr17:41,822,280, C>T. VCF-style: chr17-41822280-C-T. GRCh37 (hg19) VCF-style: chr17-39978532-C-T.
Other names: short protein forms Q541*.
Identifiers: ClinVar variation 1490007 (VCV001490007.9), dbSNP rs782682320, ClinGen allele CA8566710.